The following is an entry in ClinVar:

ClinVar aggregate classification (germline): Benign. Review status: criteria provided, multiple submitters, no conflicts (2 of 4 stars). 2 submissions from 2 submitters: Benign (2). Last evaluated 2018-06-14.

Allele frequency attached by ClinVar (database versions not stated): 1000 Genomes Project 0.68391; 1000 Genomes Project 30x 0.68691; TOPMed 0.69921; gnomAD 0.70541 and 0.70626; gnomAD exomes 0.72106.
gnomAD v4.1: 539,748 of 752,254 alleles (72%); highest among the groups gnomAD compares: Admixed American, 81%; 195,352 homozygotes.

Submissions (2):

GeneDx
Classification: Benign. Last evaluated: 2018-06-14. Review status: criteria provided, single submitter. Criteria: GeneDx Variant Classification (06012015). Collection method: clinical testing. Allele origin: germline. Affected: yes.
Comment: This variant is considered likely benign or benign based on one or more of the following criteria: it is a conservative change, it occurs at a poorly conserved position in the protein, it is predicted to be benign by multiple in silico algorithms, and/or has population frequency not consistent with disease.

Breakthrough Genomics
Classification: Benign. Review status: criteria provided, single submitter. Criteria: ACMG Guidelines, 2015. Collection method: not provided. Allele origin: germline. Inheritance: Autosomal recessive inheritance. Affected: yes.

NM_003659.4(AGPS):c.1285+145C>T

Gene: AGPS (alkylglycerone phosphate synthase; plus strand). Cytogenetic location: 2q31.2.
Variant type: single nucleotide variant.
Coding change: c.1285+145C>T on transcript NM_003659.4 (MANE Select); 145 bases into the intron after coding-DNA position 1285, C replaced by T.
Molecular consequence: intron variant.
Genome position (GRCh38, 1-based): chr2:177,493,344, C>T. VCF-style: chr2-177493344-C-T. GRCh37 (hg19) VCF-style: chr2-178358072-C-T.
Identifiers: ClinVar variation 683775 (VCV000683775.2), dbSNP rs1348849, ClinGen allele CA11260733.
Genomic context (GRCh38, chr2:177,493,344, plus strand): 5'-TAGAAAGAACGTCAGTCTTGCCTTTCAGGAAGATGTCAGTCTAATGAAGATAGACAATTA[C>T]ATAAATGAGTGAGGGTAGCAGTGTTGGAGGGCCTGTGAAAGAAGACTGCACTGGATACCA-3'